The following is an entry in ClinVar:

GRCh38/hg38 16p12.2(chr16:21795000-22434000)x1

Genes: EEF2K (eukaryotic elongation factor 2 kinase), CDR2-DT (CDR2 divergent transcript), CDR2 (cerebellar degeneration related protein 2), MOSMO (modulator of smoothened), NPIPB4 (nuclear pore complex interacting protein family member B4) and 34 more. Cytogenetic location: 16p12.2.
Variant type: copy number loss.
Change: copy number 1 (one copy instead of two) of chr16:21,795,000-22,434,000 (639.0 kb, GRCh38 coordinates, 1-based), cytogenetic band 16p12.2.
Identifiers: ClinVar variation 4888316 (VCV004888316.1).

ClinVar aggregate classification (germline): Likely pathogenic (1 of 4 stars; one submission).

Conditions:
Chromosome 16p12.1 deletion syndrome, 520kb. Also called: 16p12.2 Microdeletion; Chromosome 16p12.1 deletion syndrome; 16p12.2 recurrent deletion; Chromosome 16p12.1 deletion syndrome, 520-kb. Identifiers: MedGen C3149276, MONDO:0007631, OMIM 136570.

Submission:

New York Genome Center
Classification: Likely pathogenic for 16p12.2 recurrent deletion. Last evaluated: 2023-08-10. Review status: criteria provided, single submitter. Criteria: NYGC Assertion Criteria 2020. Collection method: clinical testing. Allele origin: inherited. Observed: 1 variant allele.
Comment: The inherited ~650kb deletion on 16p12.2 includes the previously described proximal recurrent 16p12.2 region (includes EEF2K, CDR2). This 16p12.2 recurrent deletion is curated by ClinGen Dosage Sensitivity Working Group and given a haploinsufficiency Score of 2. This deletion is considered a susceptibility locus for neurodevelopmental and neuropsychiatric phenotypes and has been observed in association with an incompletely penetrant and variable spectrum of clinical phenotypes including developmental delay, intellectual disability, speech delays, psychiatric and behavioral abnormalities, mild distinctive facial features, congenital heart defects, seizures, and sleep disturbances. The estimated penetrance for intellectual disability, developmental delay and/or congenital malformations is 13% whereas estimated penetrance for schizophrenia 3.1% [PMID:25719193]. Of note, the 16p12.2 deletion has also been observed in normal-random-controls (not phenotypically characterized) and in unaffected relatives. Based on the available evidence, this 16p12.2 deletion is reported here as Likely Pathogenic.

Literature cited by the submitters: PubMed 25719193.